The following is an entry in ClinVar:

ClinVar aggregate classification (germline): Uncertain significance (1 of 4 stars; one submission).

Conditions:
Hereditary sensory and autonomic neuropathy type 1 (HSAN1). Also called: HSAN 1; HSN Type I; Hereditary Sensory Neuropathy Type I. Identifiers: Orphanet 36386, MedGen C0020071, MONDO:0018213.

Submission:

Labcorp Genetics (formerly Invitae), Labcorp
Classification: Uncertain significance for Hereditary sensory and autonomic neuropathy type 1. Last evaluated: 2019-12-05. Review status: criteria provided, single submitter. Criteria: Invitae Variant Classification Sherloc (09022015). Collection method: clinical testing. Allele origin: germline.
Comment: This variant has not been reported in the literature in individuals with SPTLC1-related conditions. This sequence change replaces alanine with proline at codon 346 of the SPTLC1 protein (p.Ala346Pro). The alanine residue is highly conserved and there is a small physicochemical difference between alanine and proline. This variant is not present in population databases (ExAC no frequency). Algorithms developed to predict the effect of missense changes on protein structure and function are either unavailable or do not agree on the potential impact of this missense change (SIFT: "Deleterious"; PolyPhen-2: "Benign"; Align-GVGD: "Class C0"). In summary, the available evidence is currently insufficient to determine the role of this variant in disease. Therefore, it has been classified as a Variant of Uncertain Significance.

NM_006415.4(SPTLC1):c.1036G>C (p.Ala346Pro)

Gene: SPTLC1 (serine palmitoyltransferase long chain base subunit 1; minus strand). Cytogenetic location: 9q22.31.
Variant type: single nucleotide variant.
Coding change: c.1036G>C on transcript NM_006415.4 (MANE Select); coding-DNA position 1036, G replaced by C.
Protein change: p.Ala346Pro; replaces alanine 346 with proline.
Molecular consequence: missense variant.
Genome position (GRCh38, 1-based): chr9:92,047,217, C>G on the plus strand (G>C on the coding strand, the complement: SPTLC1 is on the minus strand). VCF-style: chr9-92047217-C-G. GRCh37 (hg19) VCF-style: chr9-94809499-C-G.
Other names: c.1036G>C, p.Ala346Pro (NM_001281303.2); c.670G>C, p.Ala224Pro (NM_001368272.1); c.571G>C, p.Ala191Pro (NM_001368273.1); short protein forms A224P, A191P, A346P.
Identifiers: ClinVar variation 850302 (VCV000850302.9), dbSNP rs1833545545, ClinGen allele CA373792492.
Genomic context (GRCh38, chr9:92,047,217, plus strand): 5'-TTTAAAGGGTTATACCTGGATTCTCTTCCATGATGTTGAGGGCCTCAATTGCTGCAGCAG[C>G]TAACAGGGGAGGTAACGAAGCTGAAAAGCAGTATCCCTGGCCGGAAAGTCGCTGAGAAGA-3'
Protein context (NP_006406.1, residues 336-356): CFSASLPPLL[Ala346Pro]AAAIEALNIM